The following is an entry in ClinVar:

ClinVar aggregate classification (germline): Uncertain significance (1 of 4 stars; one submission).

Conditions:
PGM1-congenital disorder of glycosylation. Also called: Congenital disorder of glycosylation type 1t; PHOSPHOGLUCOMUTASE 1 DEFICIENCY; PGM1 DEFICIENCY; GLYCOGEN STORAGE DISEASE XIV; GSD XIV; CDG It. Identifiers: Orphanet 319646, MedGen C2752015, MONDO:0013968, OMIM 614921.

Allele frequency attached by ClinVar (database versions not stated): gnomAD 0.00001; TOPMed 0.00002; ExAC 0.00004; ESP Exome Variant Server 0.00008.
gnomAD v4.1: 46 of 1,613,198 alleles (0.0029%); highest among the groups gnomAD compares: South Asian, 0.011%; no homozygotes.

Submission:

Labcorp Genetics (formerly Invitae), Labcorp
Classification: Uncertain significance for PGM1-congenital disorder of glycosylation. Last evaluated: 2022-08-22. Review status: criteria provided, single submitter. Criteria: Invitae Variant Classification Sherloc (09022015). Collection method: clinical testing. Allele origin: germline.
Comment: In summary, the available evidence is currently insufficient to determine the role of this variant in disease. Therefore, it has been classified as a Variant of Uncertain Significance. Algorithms developed to predict the effect of sequence changes on RNA splicing suggest that this variant may create or strengthen a splice site. Algorithms developed to predict the effect of missense changes on protein structure and function (SIFT, PolyPhen-2, Align-GVGD) all suggest that this variant is likely to be disruptive. ClinVar contains an entry for this variant (Variation ID: 1014257). This missense change has been observed in individual(s) with PGM1-congenital disorder of glycosylation (PMID: 33413482; Invitae). In at least one individual the data is consistent with being in trans (on the opposite chromosome) from a pathogenic variant. This variant is present in population databases (rs377500536, gnomAD 0.01%). This sequence change replaces glycine, which is neutral and non-polar, with arginine, which is basic and polar, at codon 89 of the PGM1 protein (p.Gly89Arg).

Literature cited by the submitters: PubMed 33413482.

NM_002633.3(PGM1):c.265G>A (p.Gly89Arg)

Gene: PGM1 (phosphoglucomutase 1; plus strand). Cytogenetic location: 1p31.3.
Variant type: single nucleotide variant.
Coding change: c.265G>A on transcript NM_002633.3 (MANE Select); coding-DNA position 265, G replaced by A.
Protein change: p.Gly89Arg; replaces glycine 89 with arginine.
Molecular consequence: missense variant. On other transcripts: 5 prime UTR variant (1).
Genome position (GRCh38, 1-based): chr1:63,629,443, G>A. VCF-style: chr1-63629443-G-A. GRCh37 (hg19) VCF-style: chr1-64095114-G-A.
Other names: c.319G>A, p.Gly107Arg (NM_001172818.1); c.-327G>A (NM_001172819.2); short protein forms G107R, G89R.
Identifiers: ClinVar variation 1014257 (VCV001014257.8), dbSNP rs377500536, ClinGen allele CA889501.